The following is an entry in ClinVar:

GRCh38/hg38 15q11.2(chr15:22582283-23102621)x1

Genes: CYFIP1 (cytoplasmic FMR1 interacting protein 1; minus strand), NIPA1 (NIPA magnesium transporter 1; plus strand), NIPA2 (NIPA magnesium transporter 2; plus strand), TUBGCP5 (tubulin gamma complex component 5; minus strand), LOC112272575 (Sharpr-MPRA regulatory region 8478; plus strand) and 15 more. Cytogenetic location: 15q11.2.
Variant type: copy number loss.
Change: copy number 1 (one copy instead of two) of chr15:22,582,283-23,102,621 (520.3 kb, GRCh38 coordinates, 1-based), cytogenetic band 15q11.2.
Identifiers: ClinVar variation 4796096 (VCV004796096.1).

ClinVar aggregate classification (germline): Pathogenic (1 of 4 stars; one submission).

Submission:

Medical Genetic Center, Changzhi Maternal and Child Health Care Hospital
Classification: Pathogenic. Last evaluated: 2025-12-10. Review status: criteria provided, single submitter. Criteria: ACMG/ClinGen CNV Guidelines, 2019. Collection method: clinical testing. Allele origin: unknown.
Comment: 2A:15q11.2 recurrent region (BP1-BP2) (includes NIPA1)